The following is an entry in ClinVar:

ClinVar aggregate classification (germline): Likely benign (1 of 4 stars; one submission).

Allele frequency attached by ClinVar (database versions not stated): gnomAD exomes below 0.00001.
gnomAD v4.1: 3 of 1,386,050 alleles (0.00022%); highest among the groups gnomAD compares: African/African-American, 0.0031%; no homozygotes.

Submission:

CeGaT Center for Human Genetics Tuebingen
Classification: Likely benign. Last evaluated: 2022-04-01. Review status: criteria provided, single submitter. Criteria: CeGaT Center For Human Genetics Tuebingen Variant Classification Criteria Version 2. Collection method: clinical testing. Allele origin: germline. Affected: yes. Observed: 1 variant allele.
Comment: RERE: PM2:Supporting, BP4, BP7

NM_001042681.2(RERE):c.3006C>T (p.Ala1002=)

Gene: RERE (arginine-glutamic acid dipeptide repeats; minus strand). Cytogenetic location: 1p36.23.
Variant type: single nucleotide variant.
Coding change: c.3006C>T on transcript NM_001042681.2 (MANE Select); coding-DNA position 3006, C replaced by T.
Protein change: p.Ala1002=; no amino-acid change (alanine 1002 retained).
Molecular consequence: synonymous variant.
Genome position (GRCh38, 1-based): chr1:8,360,501, G>A on the plus strand (C>T on the coding strand, the complement: RERE is on the minus strand). VCF-style: chr1-8360501-G-A. GRCh37 (hg19) VCF-style: chr1-8420561-G-A.
Other names: c.1344C>T, p.Ala448= (NM_001042682.2); c.3006C>T, p.Ala1002= (NM_012102.4).
Identifiers: ClinVar variation 2638165 (VCV002638165.24), dbSNP rs2522713617, ClinGen allele CA416029510.